The following is an entry in ClinVar:

NM_014915.3(ANKRD26):c.3832A>G (p.Thr1278Ala)

Gene: ANKRD26 (ankyrin repeat domain containing 26; minus strand). Cytogenetic location: 10p12.1.
Variant type: single nucleotide variant.
Coding change: c.3832A>G on transcript NM_014915.3 (MANE Select); coding-DNA position 3832, A replaced by G.
Protein change: p.Thr1278Ala; replaces threonine 1278 with alanine.
Molecular consequence: missense variant.
Genome position (GRCh38, 1-based): chr10:27,029,332, T>C on the plus strand (A>G on the coding strand, the complement: ANKRD26 is on the minus strand). VCF-style: chr10-27029332-T-C. GRCh37 (hg19) VCF-style: chr10-27318261-T-C.
Other names: c.3829A>G, p.Thr1277Ala (NM_001256053.2); short protein forms T1277A, T1278A.
Identifiers: ClinVar variation 3867681 (VCV003867681.1).

ClinVar aggregate classification (germline): Uncertain significance (1 of 4 stars; one submission).

Conditions:
Inborn genetic diseases. Identifiers: MedGen C0950123, MeSH D030342.

gnomAD v4.1: 19 of 1,612,768 alleles (0.0012%); highest among the groups gnomAD compares: Non-Finnish European, 0.0016%; no homozygotes.

Submission:

Ambry Genetics
Classification: Uncertain significance for Inborn genetic diseases. Last evaluated: 2025-02-01. Review status: criteria provided, single submitter. Criteria: Ambry Variant Classification Scheme 2023. Collection method: clinical testing. Allele origin: germline.
Comment: The p.T1278A variant (also known as c.3832A>G), located in coding exon 26 of the ANKRD26 gene, results from an A to G substitution at nucleotide position 3832. The threonine at codon 1278 is replaced by alanine, an amino acid with similar properties. This amino acid position is conserved. In addition, this alteration is predicted to be tolerated by in silico analysis. Based on the available evidence, the clinical significance of this variant remains unclear.